The following is an entry in ClinVar:

NM_001321967.2(ATAD1):c.973G>A (p.Glu325Lys)

Gene: ATAD1 (ATPase family AAA domain containing 1; minus strand). Cytogenetic location: 10q23.31.
Variant type: single nucleotide variant.
Coding change: c.973G>A on transcript NM_001321967.2 (MANE Select); coding-DNA position 973, G replaced by A.
Protein change: p.Glu325Lys; replaces glutamic acid 325 with lysine.
Molecular consequence: missense variant. On other transcripts: non-coding transcript variant (1).
Genome position (GRCh38, 1-based): chr10:87,754,800, C>T on the plus strand (G>A on the coding strand, the complement: ATAD1 is on the minus strand). VCF-style: chr10-87754800-C-T. GRCh37 (hg19) VCF-style: chr10-89514557-C-T.
Other names: c.883G>A, p.Glu295Lys (NM_001321968.2); c.616G>A, p.Glu206Lys (NM_001321969.2); c.973G>A, p.Glu325Lys (NM_032810.4); short protein forms E295K, E325K, E206K.
Identifiers: ClinVar variation 1409365 (VCV001409365.4), dbSNP rs545576634, ClinGen allele CA5589905.

ClinVar aggregate classification (germline): Uncertain significance (1 of 4 stars; one submission).

Allele frequency attached by ClinVar (database versions not stated): ExAC 0.00001; gnomAD 0.00001; gnomAD exomes 0.00001.
gnomAD v4.1: 9 of 1,612,268 alleles (0.00056%); highest among the groups gnomAD compares: African/African-American, 0.0027%; no homozygotes.

Submission:

Labcorp Genetics (formerly Invitae), Labcorp
Classification: Uncertain significance. Last evaluated: 2023-08-10. Review status: criteria provided, single submitter. Criteria: Invitae Variant Classification Sherloc (09022015). Collection method: clinical testing. Allele origin: germline.
Comment: ClinVar contains an entry for this variant (Variation ID: 1409365). This sequence change replaces glutamic acid with lysine at codon 325 of the ATAD1 protein (p.Glu325Lys). The glutamic acid residue is moderately conserved and there is a small physicochemical difference between glutamic acid and lysine. This variant is present in population databases (rs545576634, gnomAD 0.003%). This variant has not been reported in the literature in individuals affected with ATAD1-related conditions. An algorithm developed to predict the effect of missense changes on protein structure and function (PolyPhen-2) suggests that this variant¬†is likely to be tolerated. In summary, the available evidence is currently insufficient to determine the role of this variant in disease. Therefore, it has been classified as a Variant of Uncertain Significance.